The following is an entry in ClinVar:

ClinVar aggregate classification (germline): Uncertain significance (1 of 4 stars; one submission).

Conditions:
Gorlin syndrome. Also called: Nevoid Basal Cell Carcinoma Syndrome; Basal cell nevus syndrome. Identifiers: Orphanet 377, MedGen C0004779, MONDO:0007187.

Submission:

Labcorp Genetics (formerly Invitae), Labcorp
Classification: Uncertain significance for Gorlin syndrome. Last evaluated: 2024-07-24. Review status: criteria provided, single submitter. Criteria: Invitae Variant Classification Sherloc (09022015). Collection method: clinical testing. Allele origin: germline.
Comment: This sequence change replaces leucine, which is neutral and non-polar, with valine, which is neutral and non-polar, at codon 232 of the PTCH1 protein (p.Leu232Val). This variant is not present in population databases (gnomAD no frequency). This variant has not been reported in the literature in individuals affected with PTCH1-related conditions. Advanced modeling of protein sequence and biophysical properties (such as structural, functional, and spatial information, amino acid conservation, physicochemical variation, residue mobility, and thermodynamic stability) performed at Invitae indicates that this missense variant is not expected to disrupt PTCH1 protein function with a negative predictive value of 95%. In summary, the available evidence is currently insufficient to determine the role of this variant in disease. Therefore, it has been classified as a Variant of Uncertain Significance.

NM_000264.5(PTCH1):c.694T>G (p.Leu232Val)

Gene: PTCH1 (patched 1; minus strand). Cytogenetic location: 9q22.32.
Variant type: single nucleotide variant.
Coding change: c.694T>G on transcript NM_000264.5 (MANE Select); coding-DNA position 694, T replaced by G.
Protein change: p.Leu232Val; replaces leucine 232 with valine.
Molecular consequence: missense variant. On other transcripts: non-coding transcript variant (1).
Genome position (GRCh38, 1-based): chr9:95,482,001, A>C on the plus strand (T>G on the coding strand, the complement: PTCH1 is on the minus strand). VCF-style: chr9-95482001-A-C. GRCh37 (hg19) VCF-style: chr9-98244283-A-C.
Other names: c.496T>G, p.Leu166Val (NM_001083602.3, NM_001354919.2); c.691T>G, p.Leu231Val (NM_001083603.3); c.241T>G, p.Leu81Val (NM_001083604.3, NM_001083605.3, NM_001083606.3 and 1 more transcripts); c.694T>G, p.Leu232Val (NM_001354918.2); short protein forms L231V, L81V, L166V, L232V.
Identifiers: ClinVar variation 3630955 (VCV003630955.2).